The following is an entry in ClinVar:

NM_014270.5(SLC7A9):c.749+6A>G

Gene: SLC7A9 (solute carrier family 7 member 9; minus strand). Cytogenetic location: 19q13.11.
Variant type: single nucleotide variant.
Coding change: c.749+6A>G on transcript NM_014270.5 (MANE Select); 6 bases into the intron after coding-DNA position 749, A replaced by G.
Molecular consequence: intron variant.
Genome position (GRCh38, 1-based): chr19:32,860,600, T>C on the plus strand (A>G on the coding strand, the complement: SLC7A9 is on the minus strand). VCF-style: chr19-32860600-T-C. GRCh37 (hg19) VCF-style: chr19-33351506-T-C.
Other names: c.749+6A>G (NM_014270.4, NM_001126335.2, NM_001243036.2).
Identifiers: ClinVar variation 1170397 (VCV001170397.13), dbSNP rs114421824, ClinGen allele CA9358689.

ClinVar aggregate classification (germline): Benign/Likely benign. Review status: criteria provided, multiple submitters, no conflicts (2 of 4 stars). 4 submissions from 4 submitters: Benign (2); Likely benign (1). 1 of the submissions does not count toward it. Last evaluated 2026-02-01.

Conditions:
SLC7A9-related disorder. Also called: SLC7A9-related condition.

Allele frequency attached by ClinVar (database versions not stated): gnomAD exomes 0.00052 and 0.00105; ExAC 0.00128; gnomAD 0.00409 and 0.00439; TOPMed 0.00474; ESP Exome Variant Server 0.00492; 1000 Genomes Project 30x 0.00531; 1000 Genomes Project 0.00579.
gnomAD v4.1: 1,449 of 1,614,174 alleles (0.09%); highest among the groups gnomAD compares: African/African-American, 1.5%; 13 homozygotes.

Submissions (4):

Labcorp Genetics (formerly Invitae), Labcorp
Classification: Benign. Last evaluated: 2026-02-01. Review status: criteria provided, single submitter. Criteria: Invitae Variant Classification Sherloc (09022015). Collection method: clinical testing. Allele origin: germline.

Blueprint Genetics
Classification: Likely benign. Last evaluated: 2024-09-26. Review status: criteria provided, single submitter. Criteria: ACMG Guidelines, 2015. Collection method: clinical testing. Allele origin: germline.

Breakthrough Genomics
Classification: Benign. Review status: criteria provided, single submitter. Criteria: ACMG Guidelines, 2015. Collection method: not provided. Allele origin: germline. Inheritance: Autosomal dominant inheritance. Affected: yes.

PreventionGenetics, part of Exact Sciences
Classification: Benign for SLC7A9-related condition. Last evaluated: 2019-06-06. Review status: no assertion criteria provided. Collection method: clinical testing. Allele origin: germline. Not counted in ClinVar's aggregate classification.
Comment: This variant is classified as benign based on ACMG/AMP sequence variant interpretation guidelines (Richards et al. 2015 PMID: 25741868, with internal and published modifications).